The following is an entry in ClinVar:

NM_017780.4(CHD7):c.1203A>G (p.Ala401=)

Gene: CHD7 (chromodomain helicase DNA binding protein 7; plus strand). Cytogenetic location: 8q12.2.
Variant type: single nucleotide variant.
Coding change: c.1203A>G on transcript NM_017780.4 (MANE Select); coding-DNA position 1203, A replaced by G.
Protein change: p.Ala401=; no amino-acid change (alanine 401 retained).
Molecular consequence: synonymous variant.
Genome position (GRCh38, 1-based): chr8:60,742,635, A>G. VCF-style: chr8-60742635-A-G. GRCh37 (hg19) VCF-style: chr8-61655194-A-G.
Other names: c.1203A>G, p.Ala401= (NM_001316690.1).
Identifiers: ClinVar variation 696208 (VCV000696208.40), dbSNP rs147960212, ClinGen allele CA4759449.

ClinVar aggregate classification (germline): Benign/Likely benign. Review status: criteria provided, multiple submitters, no conflicts (2 of 4 stars). 8 submissions from 8 submitters: Benign (3); Likely benign (4). 1 of the submissions does not count toward it. Last evaluated 2026-02-01.

Conditions:
CHD7-related disorder. Also called: CHD7-related condition.
Inborn genetic diseases. Identifiers: MedGen C0950123, MeSH D030342.
Hypogonadotropic hypogonadism 5 with or without anosmia (KAL5). Also called: HYPOGONADOTROPIC HYPOGONADISM 5 WITH ANOSMIA; HYPOGONADOTROPHIC HYPOGONADISM 5 WITHOUT ANOSMIA; CHD7-Related GnRH Deficiency (Kallmann Syndrome 5). Identifiers: Orphanet 478, MedGen C3552553, MONDO:0012880, OMIM 612370. Disease mechanism: loss of function.
CHARGE syndrome (CHARGE). Also called: Coloboma, heart anomaly, choanal atresia, retardation, genital and ear anomalies; CHARGE association; Hall-Hittner syndrome; Hittner Hirsch Kreh syndrome; CHARGE ASSOCIATION--COLOBOMA, HEART ANOMALY, CHOANAL ATRESIA, RETARDATION, GENITAL AND EAR ANOMALIES. Identifiers: Orphanet 138, MedGen C0265354, MONDO:0008965.

Allele frequency attached by ClinVar (database versions not stated): gnomAD 0.00012 and 0.00021; gnomAD exomes 0.00020 and 0.00044; TOPMed 0.00030; ExAC 0.00055; 1000 Genomes Project 30x 0.00141; 1000 Genomes Project 0.00160.
gnomAD v4.1: 310 of 1,612,162 alleles (0.019%); highest among the groups gnomAD compares: East Asian, 0.63%; 2 homozygotes.

Submissions (8):

CeGaT Center for Human Genetics Tuebingen
Classification: Likely benign. Last evaluated: 2026-02-01. Review status: criteria provided, single submitter. Criteria: CeGaT Center For Human Genetics Tuebingen Variant Classification Criteria Version 2. Collection method: clinical testing. Allele origin: germline. Affected: yes. Observed: 2 variant alleles.
Comment: CHD7: BP4, BP7

Labcorp Genetics (formerly Invitae), Labcorp
Classification: Benign for CHARGE syndrome. Last evaluated: 2026-01-26. Review status: criteria provided, single submitter. Criteria: Invitae Variant Classification Sherloc (09022015). Collection method: clinical testing. Allele origin: germline.

Ambry Genetics
Classification: Likely benign for Inborn genetic diseases. Last evaluated: 2025-12-16. Review status: criteria provided, single submitter. Criteria: Ambry Variant Classification Scheme 2023. Collection method: clinical testing. Allele origin: germline.

Blueprint Genetics
Classification: Likely benign. Last evaluated: 2023-07-25. Review status: criteria provided, single submitter. Criteria: ACMG Guidelines, 2015. Collection method: clinical testing. Allele origin: germline.

Fulgent Genetics
Classification: Likely benign for CHD7-related CHARGE syndrome; Hypogonadotropic hypogonadism 5 with or without anosmia. Last evaluated: 2021-10-04. Review status: criteria provided, single submitter. Criteria: ACMG Guidelines, 2015. Collection method: clinical testing. Allele origin: unknown.

GeneDx
Classification: Benign. Last evaluated: 2019-01-31. Review status: criteria provided, single submitter. Criteria: GeneDx Variant Classification Process June 2021. Collection method: clinical testing. Allele origin: germline. Affected: yes.

Illumina Laboratory Services, Illumina
Classification: Benign for Kallmann Syndrome 5. Last evaluated: 2018-01-13. Review status: criteria provided, single submitter. Criteria: ICSL Variant Classification Criteria 13 December 2019. Collection method: clinical testing. Allele origin: germline.
Comment: This variant was observed in the ICSL laboratory as part of a predisposition screen in an ostensibly healthy population. It had not been previously curated by ICSL or reported in the Human Gene Mutation Database (HGMD: prior to June 1st, 2018), and was therefore a candidate for classification through an automated scoring system. Utilizing variant allele frequency, disease prevalence and penetrance estimates, and inheritance mode, an automated score was calculated to assess if this variant is too frequent to cause the disease. Based on the score and internal cut-off values, a variant classified as benign is not then subjected to further curation. The score for this variant resulted in a classification of benign for this disease.

PreventionGenetics, part of Exact Sciences
Classification: Likely benign for CHD7-related condition. Last evaluated: 2024-09-13. Review status: no assertion criteria provided. Collection method: clinical testing. Allele origin: germline. Not counted in ClinVar's aggregate classification.
Comment: This variant is classified as likely benign based on ACMG/AMP sequence variant interpretation guidelines (Richards et al. 2015 PMID: 25741868, with internal and published modifications).